The following is an entry in ClinVar:

NM_001003699.4(RREB1):c.1163A>G (p.Asn388Ser)

Gene: RREB1 (ras responsive element binding protein 1; plus strand). Cytogenetic location: 6p24.3.
Variant type: single nucleotide variant.
Coding change: c.1163A>G on transcript NM_001003699.4 (MANE Select); coding-DNA position 1163, A replaced by G.
Protein change: p.Asn388Ser; replaces asparagine 388 with serine.
Molecular consequence: missense variant.
Genome position (GRCh38, 1-based): chr6:7,229,262, A>G. VCF-style: chr6-7229262-A-G. GRCh37 (hg19) VCF-style: chr6-7229495-A-G.
Other names: c.1163A>G, p.Asn388Ser (NM_001003698.4, NM_001003700.2, NM_001168344.2); c.1163A>G (NM_001003699.3); short protein forms N388S.
Identifiers: ClinVar variation 3904869 (VCV003904869.12).

ClinVar aggregate classification (germline): Conflicting classifications of pathogenicity. Review status: criteria provided, conflicting classifications (1 of 4 stars). 3 submissions from 3 submitters: Uncertain significance (1); Likely benign (2). Last evaluated 2026-06-04.

gnomAD v4.1: 65 of 1,613,868 alleles (0.004%); highest among the groups gnomAD compares: Non-Finnish European, 0.0055%; no homozygotes.

Submissions (3):

Women's Health and Genetics/Laboratory Corporation of America, LabCorp
Classification: Likely benign. Last evaluated: 2026-06-04. Review status: criteria provided, single submitter. Criteria: LabCorp Variant Classification Summary - May 2015. Collection method: clinical testing. Allele origin: germline.
Comment: Variant summary: RREB1 c.1163A>G (p.Asn388Ser) results in a conservative amino acid change in the encoded protein sequence. Algorithms developed to predict the effect of missense changes on protein structure and function all suggest that this variant is likely to be tolerated. The variant allele was found at a frequency of 4e-05 in 1613868 control chromosomes, predominantly at a frequency of 5.5e-05 within the Non-Finnish European subpopulation in the gnomAD database. The observed variant frequency within Non-Finnish European control individuals in the gnomAD database exceeds the estimated maximal expected allele frequency for disease-causing variants in RREB1. To our knowledge, no occurrence of c.1163A>G in individuals affected with RREB1-related conditions and no experimental evidence demonstrating its impact on protein function have been reported. ClinVar contains an entry for this variant (Variation ID: 3904869). Based on the evidence outlined above, the variant was classified as likely benign.

Ambry Genetics
Classification: Uncertain significance. Last evaluated: 2025-08-23. Review status: criteria provided, single submitter. Criteria: Ambry Variant Classification Scheme 2023. Collection method: clinical testing. Allele origin: germline.

CeGaT Center for Human Genetics Tuebingen
Classification: Likely benign. Last evaluated: 2025-05-01. Review status: criteria provided, single submitter. Criteria: CeGaT Center For Human Genetics Tuebingen Variant Classification Criteria Version 2. Collection method: clinical testing. Allele origin: germline. Affected: yes. Observed: 1 variant allele.
Comment: RREB1: BP4, BS2